The following is an entry in ClinVar:

NM_001164508.2(NEB):c.24639_24640del (p.Arg8214fs)

Genes: NEB (nebulin; minus strand), RIF1 (replication timing regulatory factor 1; plus strand). Cytogenetic location: 2q23.3.
Variant type: Deletion.
Coding change: c.24639_24640del on transcript NM_001164508.2 (MANE Select); coding-DNA positions 24639 to 24640, 2 bases deleted (AA; older notation c.24639_24640delAA).
Protein change: p.Arg8214fs; shifts the reading frame from arginine 8214.
Molecular consequence: frameshift variant.
Genome position (GRCh38, 1-based): chr2:151,493,807-151,493,808, TT deleted on the plus strand (AA on the coding strand, the reverse complement: NEB is on the minus strand); deleting any 2 consecutive bases within chr2:151,493,807-151,493,809 gives the same sequence; the c. name uses the placement nearest the transcript's 3' end. VCF-style (leftmost placement, unchanged base first): chr2-151493806-CTT-C. GRCh37 (hg19) VCF-style: chr2-152350320-CTT-C.
Other names: c.24744_24745delAA (NM_001271208.1); c.24744_24745del (NM_001271208.1); c.24639_24640del, p.Arg8214fs (NM_001164507.2); c.24744_24745del, p.Arg8249fs (NM_001271208.2); c.19071_19072del, p.Arg6358fs (NM_004543.5); short protein forms R6358fs, R8249fs, R8214fs.
Identifiers: ClinVar variation 554958 (VCV000554958.8), dbSNP rs1357811155, ClinGen allele CA536636690.

ClinVar aggregate classification (germline): Pathogenic/Likely pathogenic. Review status: criteria provided, multiple submitters, no conflicts (2 of 4 stars). 4 submissions from 4 submitters: Pathogenic (1); Likely pathogenic (2). 1 of the submissions does not count toward it. Last evaluated 2025-07-01.

Conditions:
Arthrogryposis multiplex congenita 6. Identifiers: MedGen C5543431, MONDO:0030281, OMIM 619334.
Nemaline myopathy 2 (NEM2). Also called: Nemaline myopathy 2, autosomal recessive. Identifiers: MedGen C1850569, MONDO:0009725, OMIM 256030.

Submissions (4):

Natera, Inc.
Classification: Likely pathogenic for Nemaline myopathy type 2. Last evaluated: 2025-07-01. Review status: criteria provided, single submitter. Criteria: Natera Variant Classification Schema (03/2026). Collection method: clinical testing. Allele origin: germline.
Comment: The c.24744_24745delAA variant in NEB is a frameshift variant predicted to shift the reading frame beginning at codon 8249 and leads to a stop codon 9 codons downstream. This variant is expected to result in nonsense mediated decay, truncation, or a dysfunctional protein product. This variant is rare in the general population with a frequency below the threshold expected for the associated phenotype(s). Given the available evidence, this variant is classified as Likely Pathogenic.

Labcorp Genetics (formerly Invitae), Labcorp
Classification: Pathogenic for Nemaline myopathy 2. Last evaluated: 2024-01-08. Review status: criteria provided, single submitter. Criteria: Invitae Variant Classification Sherloc (09022015). Collection method: clinical testing. Allele origin: germline.
Comment: This sequence change creates a premature translational stop signal (p.Arg8249Serfs*9) in the NEB gene. It is expected to result in an absent or disrupted protein product. Loss-of-function variants in NEB are known to be pathogenic (PMID: 25205138). This variant is present in population databases (no rsID available, gnomAD 0.01%). This variant has not been reported in the literature in individuals affected with NEB-related conditions. ClinVar contains an entry for this variant (Variation ID: 554958). Algorithms developed to predict the effect of sequence changes on RNA splicing suggest that this variant may disrupt the consensus splice site. For these reasons, this variant has been classified as Pathogenic.

Baylor Genetics
Classification: Likely pathogenic for Arthrogryposis multiplex congenita 6. Last evaluated: 2023-05-22. Review status: criteria provided, single submitter. Criteria: ACMG Guidelines, 2015. Collection method: clinical testing. Allele origin: unknown.

Counsyl
Classification: Likely pathogenic for Nemaline myopathy 2. Last evaluated: 2017-11-09. Review status: no assertion criteria provided. Collection method: clinical testing. Allele origin: unknown. Not counted in ClinVar's aggregate classification.

Literature cited by the submitters: PubMed 25205138 (cited by Labcorp Genetics (formerly Invitae), Labcorp).